The following is an entry in ClinVar:

NM_000057.4(BLM):c.3181G>A (p.Val1061Ile)

Gene: BLM (BLM RecQ like helicase; plus strand). Cytogenetic location: 15q26.1.
Variant type: single nucleotide variant.
Coding change: c.3181G>A on transcript NM_000057.4 (MANE Select); coding-DNA position 3181, G replaced by A.
Protein change: p.Val1061Ile; replaces valine 1061 with isoleucine.
Molecular consequence: missense variant.
Genome position (GRCh38, 1-based): chr15:90,794,328, G>A. VCF-style: chr15-90794328-G-A. GRCh37 (hg19) VCF-style: chr15-91337558-G-A.
Other names: c.3181G>A, p.Val1061Ile (NM_001287246.2, NM_001287247.2); c.2056G>A, p.Val686Ile (NM_001287248.2); short protein forms V1061I, V686I.
Identifiers: ClinVar variation 1718295 (VCV001718295.7), dbSNP rs2151187426, ClinGen allele CA393847017.
Genomic context (GRCh38, chr15:90,794,328, plus strand): 5'-CTTTTGGCCTACTTTGGTGAAAATGGATTTAATCCTGATTTTTGTAAGAAACACCCAGAT[G>A]TTTCTTGTGATAATTGCTGTAAAACAAAGGTAAAAAAAGAAGTTTTAAAATTCTTTATAA-3'
Protein context (NP_000048.1, residues 1051-1071): NPDFCKKHPD[Val1061Ile]SCDNCCKTKD

ClinVar aggregate classification (germline): Uncertain significance. Review status: criteria provided, multiple submitters, no conflicts (2 of 4 stars). 2 submissions from 2 submitters: Uncertain significance (2). Last evaluated 2024-03-14.

Conditions:
Hereditary cancer-predisposing syndrome. Also called: Hereditary neoplastic syndrome; Neoplastic Syndromes, Hereditary; Hereditary Cancer Syndrome; Tumor predisposition. Identifiers: Orphanet 140162, MedGen C0027672, MeSH D009386, MONDO:0015356.
Bloom syndrome (BLM). Also called: Bloom-Torre-Machacek syndrome. Identifiers: Orphanet 125, MedGen C0005859, MONDO:0008876, OMIM 210900.

Submissions (2):

Ambry Genetics
Classification: Uncertain significance for Hereditary cancer-predisposing syndrome. Last evaluated: 2024-03-14. Review status: criteria provided, single submitter. Criteria: Ambry Variant Classification Scheme 2023. Collection method: clinical testing. Allele origin: germline.
Comment: The p.V1061I variant (also known as c.3181G>A), located in coding exon 15 of the BLM gene, results from a G to A substitution at nucleotide position 3181. The valine at codon 1061 is replaced by isoleucine, an amino acid with highly similar properties. This amino acid position is conserved. In addition, the in silico prediction for this alteration is inconclusive. Based on the available evidence, the clinical significance of this alteration remains unclear.

Labcorp Genetics (formerly Invitae), Labcorp
Classification: Uncertain significance for Bloom syndrome. Last evaluated: 2022-08-29. Review status: criteria provided, single submitter. Criteria: Invitae Variant Classification Sherloc (09022015). Collection method: clinical testing. Allele origin: germline.
Comment: This sequence change replaces valine, which is neutral and non-polar, with isoleucine, which is neutral and non-polar, at codon 1061 of the BLM protein (p.Val1061Ile). This variant is not present in population databases (gnomAD no frequency). This variant has not been reported in the literature in individuals affected with BLM-related conditions. Algorithms developed to predict the effect of missense changes on protein structure and function are either unavailable or do not agree on the potential impact of this missense change (SIFT: "Tolerated"; PolyPhen-2: "Probably Damaging"; Align-GVGD: "Class C0"). In summary, the available evidence is currently insufficient to determine the role of this variant in disease. Therefore, it has been classified as a Variant of Uncertain Significance.